The following is an entry in ClinVar:

NM_005902.4(SMAD3):c.30del (p.Ile11fs)

Genes: SMAD3 (SMAD family member 3; plus strand), LOC130057352 (ATAC-STARR-seq lymphoblastoid silent region 6574; plus strand). Cytogenetic location: 15q22.33.
Variant type: Deletion.
Coding change: c.30del on transcript NM_005902.4 (MANE Select); coding-DNA position 30, one base deleted (G; older notation c.30delG).
Protein change: p.Ile11fs; shifts the reading frame from isoleucine 11.
Molecular consequence: frameshift variant.
Genome position (GRCh38, 1-based): chr15:67,066,184, G deleted. VCF-style (leftmost placement, unchanged base first): chr15-67066183-CG-C. GRCh37 (hg19) VCF-style: chr15-67358521-CG-C.
Other names: c.30del, p.Ile11fs (NM_001407011.1, NM_001407012.1, NM_001407013.1); short protein forms I11fs.
Identifiers: ClinVar variation 4864684 (VCV004864684.1).

ClinVar aggregate classification (germline): Pathogenic (1 of 4 stars; one submission).

Conditions:
Familial thoracic aortic aneurysm and aortic dissection (TAAD). Also called: Thoracic aortic aneurysms and dissections. Identifiers: Orphanet 91387, MedGen C4707243, MONDO:0019625.

Submission:

Ambry Genetics
Classification: Pathogenic for Familial thoracic aortic aneurysm and aortic dissection. Last evaluated: 2026-05-02. Review status: criteria provided, single submitter. Criteria: Ambry Variant Classification Scheme 2023. Collection method: clinical testing. Allele origin: germline.
Comment: The c.30delG (p.I11Sfs*2) alteration, located in exon 1 (coding exon 1) of the SMAD3 gene, consists of a deletion of one nucleotide at position 30, causing a translational frameshift with a predicted alternate stop codon after 2 amino acids. This variant is expected to result in loss of function by premature protein truncation or nonsense-mediated mRNA decay. This variant was not reported in population-based cohorts in the Genome Aggregation Database (gnomAD). Based on the available evidence, this alteration is classified as pathogenic.